The following is an entry in ClinVar:

NM_207122.2(EXT2):c.785dup (p.His262fs)

Gene: EXT2 (exostosin glycosyltransferase 2; plus strand). Cytogenetic location: 11p11.2.
Variant type: Duplication.
Coding change: c.785dup on transcript NM_207122.2 (MANE Select); coding-DNA position 785, one base duplicated (A; older notation c.785dupA).
Protein change: p.His262fs; shifts the reading frame from histidine 262.
Molecular consequence: frameshift variant.
Genome position (GRCh38, 1-based): chr11:44,124,830, A duplicated. VCF-style (leftmost placement, unchanged base first): chr11-44124829-C-CA. GRCh37 (hg19) VCF-style: chr11-44146379-C-CA.
Other names: c.785dupA (NM_207122.1); c.884dup, p.His295fs (NM_000401.3); c.785dup, p.His262fs (NM_001178083.3, NM_001389628.1, NM_001389630.1); short protein forms H262fs, H295fs.
Identifiers: ClinVar variation 504053 (VCV000504053.5), dbSNP rs1555005328, ClinGen allele CA658797613.

ClinVar aggregate classification (germline): Pathogenic. Review status: criteria provided, multiple submitters, no conflicts (2 of 4 stars). 2 submissions from 2 submitters: Pathogenic (2). Last evaluated 2026-01-21.

Conditions:
Exostoses, multiple, type 2 (EXT2). Also called: Hereditary Multiple Osteochondromatosis, Type II; EXOSTOSES, MULTIPLE, TYPE II. Identifiers: Orphanet 321, MedGen C1851413, MONDO:0007586, OMIM 133701.

Submissions (2):

Labcorp Genetics (formerly Invitae), Labcorp
Classification: Pathogenic for Exostoses, multiple, type 2. Last evaluated: 2026-01-21. Review status: criteria provided, single submitter. Criteria: Invitae Variant Classification Sherloc (09022015). Collection method: clinical testing. Allele origin: germline.
Comment: This sequence change creates a premature translational stop signal (p.His262Glnfs*3) in the EXT2 gene. It is expected to result in an absent or disrupted protein product. Loss-of-function variants in EXT2 are known to be pathogenic (PMID: 10679937, 19810120). This variant is not present in population databases (gnomAD no frequency). This variant has not been reported in the literature in individuals affected with EXT2-related conditions. ClinVar contains an entry for this variant (Variation ID: 504053). For these reasons, this variant has been classified as Pathogenic.

GeneDx
Classification: Pathogenic. Last evaluated: 2018-01-03. Review status: criteria provided, single submitter. Criteria: GeneDx Variant Classification (06012015). Collection method: clinical testing. Allele origin: germline. Affected: yes.
Comment: The c.785dupA variant in the EXT2 gene has not been published as a pathogenic variant, nor has it been reported as a benign variant to our knowledge. This duplication causes a frameshift starting with codon Histidine 262, changes this amino acid to a Glutamine residue and creates a premature Stop codon at position 3 of the new reading frame, denoted p.His262GlnfsX3. This variant is predicted to cause loss of normal protein function either through protein truncation or nonsense-mediated mRNA decay. The c.785dupA variant is not observed in large population cohorts (Lek et al., 2016). Based on currently available evidence, we consider c.785dupA to be pathogenic.

Literature cited by the submitters: PubMed 10679937 (cited by Labcorp Genetics (formerly Invitae), Labcorp); PubMed 19810120 (cited by Labcorp Genetics (formerly Invitae), Labcorp).